The following is an entry in ClinVar:

NM_002017.5(FLI1):c.1286G>A (p.Gly429Glu)

Gene: FLI1 (Fli-1 proto-oncogene, ETS transcription factor; plus strand). Cytogenetic location: 11q24.3.
Variant type: single nucleotide variant.
Coding change: c.1286G>A on transcript NM_002017.5 (MANE Select); coding-DNA position 1286, G replaced by A.
Protein change: p.Gly429Glu; replaces glycine 429 with glutamic acid.
Molecular consequence: missense variant.
Genome position (GRCh38, 1-based): chr11:128,810,915, G>A. VCF-style: chr11-128810915-G-A. GRCh37 (hg19) VCF-style: chr11-128680810-G-A.
Other names: c.1187G>A, p.Gly396Glu (NM_001167681.3, NM_001440369.1, NM_001440370.1 and 1 more transcripts); c.1088G>A, p.Gly363Glu (NM_001271010.2); c.707G>A, p.Gly236Glu (NM_001271012.2); c.1160G>A, p.Gly387Glu (NM_001440372.1); short protein forms G236E, G387E, G396E, G363E, G429E.
Identifiers: ClinVar variation 4779360 (VCV004779360.1).

ClinVar aggregate classification (germline): Uncertain significance (1 of 4 stars; one submission).

gnomAD v4.1: 7 of 1,613,956 alleles (0.00043%); highest among the groups gnomAD compares: Non-Finnish European, 0.00051%; no homozygotes.

Submission:

Labcorp Genetics (formerly Invitae), Labcorp
Classification: Uncertain significance. Last evaluated: 2025-10-17. Review status: criteria provided, single submitter. Criteria: Invitae Variant Classification Sherloc (09022015). Collection method: clinical testing. Allele origin: germline.
Comment: This sequence change replaces glycine, which is neutral and non-polar, with glutamic acid, which is acidic and polar, at codon 429 of the FLI1 protein (p.Gly429Glu). This variant is present in population databases (rs760927892, gnomAD 0.0009%). This variant has not been reported in the literature in individuals affected with FLI1-related conditions. Invitae Evidence Modeling of protein sequence and biophysical properties (such as structural, functional, and spatial information, amino acid conservation, physicochemical variation, residue mobility, and thermodynamic stability) indicates that this missense variant is not expected to disrupt FLI1 protein function with a negative predictive value of 80%. In summary, the available evidence is currently insufficient to determine the role of this variant in disease. Therefore, it has been classified as a Variant of Uncertain Significance.